The following is an entry in ClinVar:

ClinVar aggregate classification (germline): Uncertain significance. Review status: criteria provided, multiple submitters, no conflicts (2 of 4 stars). 2 submissions from 2 submitters: Uncertain significance (2). Last evaluated 2026-07-17.

Conditions:
Cardiovascular phenotype. Identifiers: MedGen CN230736.
Myofibrillar myopathy 5. Also called: Filaminopathy (type); FILAMINOPATHY, AUTOSOMAL DOMINANT. Identifiers: Orphanet 171445, MedGen C1836050, MONDO:0012289, OMIM 609524.
Hypertrophic cardiomyopathy 26. Also called: Cardiomyopathy, familial hypertrophic, 26. Identifiers: Orphanet 75249, MedGen C4310749, MONDO:0014883, OMIM 617047.
Distal myopathy with posterior leg and anterior hand involvement. Also called: WILLIAMS DISTAL MYOPATHY. Identifiers: Orphanet 63273, MedGen C3279722, MONDO:0013550, OMIM 614065.

Submissions (2):

Ambry Genetics
Classification: Uncertain significance for Cardiovascular phenotype. Last evaluated: 2026-07-17. Review status: criteria provided, single submitter. Criteria: Ambry Variant Classification Scheme 2023. Collection method: clinical testing. Allele origin: germline.
Comment: The p.Y1224C variant (also known as c.3671A>G), located in coding exon 21 of the FLNC gene, results from an A to G substitution at nucleotide position 3671. The tyrosine at codon 1224 is replaced by cysteine, an amino acid with highly dissimilar properties. This amino acid position is conserved. In addition, this alteration is predicted to be deleterious by in silico analysis. Based on the available evidence, the clinical significance of this variant remains unclear.

Labcorp Genetics (formerly Invitae), Labcorp
Classification: Uncertain significance for Distal myopathy with posterior leg and anterior hand involvement; Myofibrillar myopathy 5; Hypertrophic cardiomyopathy 26. Last evaluated: 2022-12-17. Review status: criteria provided, single submitter. Criteria: Invitae Variant Classification Sherloc (09022015). Collection method: clinical testing. Allele origin: germline.
Comment: In summary, the available evidence is currently insufficient to determine the role of this variant in disease. Therefore, it has been classified as a Variant of Uncertain Significance. Advanced modeling of protein sequence and biophysical properties (such as structural, functional, and spatial information, amino acid conservation, physicochemical variation, residue mobility, and thermodynamic stability) has been performed at Invitae for this missense variant, however the output from this modeling did not meet the statistical confidence thresholds required to predict the impact of this variant on FLNC protein function. This variant has not been reported in the literature in individuals affected with FLNC-related conditions. This variant is not present in population databases (gnomAD no frequency). This sequence change replaces tyrosine, which is neutral and polar, with cysteine, which is neutral and slightly polar, at codon 1224 of the FLNC protein (p.Tyr1224Cys).

NM_001458.5(FLNC):c.3671A>G (p.Tyr1224Cys)

Gene: FLNC (filamin C; plus strand). Cytogenetic location: 7q32.1.
Variant type: single nucleotide variant.
Coding change: c.3671A>G on transcript NM_001458.5 (MANE Select); coding-DNA position 3671, A replaced by G.
Protein change: p.Tyr1224Cys; replaces tyrosine 1224 with cysteine.
Molecular consequence: missense variant.
Genome position (GRCh38, 1-based): chr7:128,845,136, A>G. VCF-style: chr7-128845136-A-G. GRCh37 (hg19) VCF-style: chr7-128485190-A-G.
Other names: c.3671A>G, p.Tyr1224Cys (NM_001127487.2); short protein forms Y1224C.
Identifiers: ClinVar variation 2942425 (VCV002942425.4), dbSNP rs2536638342, ClinGen allele CA369197619.
Genomic context (GRCh38, chr7:128,845,136, plus strand): 5'-TCCACAACAACGCGGATGGCACCTACCACATCACCTACAGCCCTGCCTTCCCTGGCACCT[A>G]CACCATTACCATCAAGTATGGCGGGCATCCCGTGCCCAAATTCCCCACCCGTGTCCATGT-3'
Protein context (NP_001449.3, residues 1214-1234): ITYSPAFPGT[Tyr1224Cys]TITIKYGGHP